The following is an entry in ClinVar:

ClinVar aggregate classification (germline): Uncertain significance (1 of 4 stars; one submission).

gnomAD v4.1: 1 of 1,613,844 alleles (0.000062%); highest among the groups gnomAD compares: Admixed American, 0.0017%; no homozygotes.

Submission:

GeneDx
Classification: Uncertain significance. Last evaluated: 2024-07-20. Review status: criteria provided, single submitter. Criteria: GeneDx Variant Classification Process June 2021. Collection method: clinical testing. Allele origin: germline. Affected: yes.
Comment: In silico analysis supports that this missense variant has a deleterious effect on protein structure/function; Has not been previously published as pathogenic or benign to our knowledge

NM_005121.3(MED13):c.3851C>G (p.Ser1284Cys)

Gene: MED13 (mediator complex subunit 13; minus strand). Cytogenetic location: 17q23.2.
Variant type: single nucleotide variant.
Coding change: c.3851C>G on transcript NM_005121.3 (MANE Select); coding-DNA position 3851, C replaced by G.
Protein change: p.Ser1284Cys; replaces serine 1284 with cysteine.
Molecular consequence: missense variant.
Genome position (GRCh38, 1-based): chr17:61,972,843, G>C on the plus strand (C>G on the coding strand, the complement: MED13 is on the minus strand). VCF-style: chr17-61972843-G-C. GRCh37 (hg19) VCF-style: chr17-60050204-G-C.
Other names: short protein forms S1284C.
Identifiers: ClinVar variation 3600729 (VCV003600729.1).